The following is an entry in ClinVar:

ClinVar aggregate classification (germline): Pathogenic (1 of 4 stars; one submission).

Conditions:
Polycystic kidney disease, adult type (PKD1). Also called: Polycystic Kidney Disease 1, Autosomal Dominant; Polycystic kidney disease 1; Polycystic kidney disease 1, severe; POLYCYSTIC KIDNEY DISEASE 1 WITH OR WITHOUT POLYCYSTIC LIVER DISEASE; Polycystic Kidney, Autosomal Dominant; POLYCYSTIC KIDNEY DISEASE, ADULT, TYPE I. Identifiers: MedGen C3149841, MONDO:0008263, OMIM 173900.

Submission:

Victorian Clinical Genetics Services, Murdoch Childrens Research Institute
Classification: Pathogenic for Polycystic kidney disease, adult type. Last evaluated: 2026-03-12. Review status: criteria provided, single submitter. Criteria: ACMG Guidelines, 2015. Collection method: clinical testing. Allele origin: germline. Affected: yes.
Comment: This variant is classified as Pathogenic. Evidence in support of pathogenic classification: Variant is predicted to cause nonsense-mediated decay (NMD) and loss of protein (premature termination codon is located at least 54 nucleotides upstream of the final exon-exon junction); Variant is absent from gnomAD (v2, v3 and v4); Other NMD-predicted variants comparable to the one identified in this case have very strong previous evidence for pathogenicity (DECIPHER). Additional information: This variant is heterozygous; This gene is associated with autosomal dominant disease. Polycystic kidney disease 1 (MIM#173900) is predominantly caused by monoallelic variants, with rare reports of biallelic variants causing disease (OMIM); This variant has no previous evidence of pathogenicity; No published evidence of segregation with disease has been identified for this variant; No published functional evidence has been identified for this variant; Loss of function is a known mechanism of disease in this gene and is associated with polycystic kidney disease 1 (MIM#173900); Inheritance information for this variant is not currently available in this individual.

NM_001009944.3(PKD1):c.7432_7441dup (p.Leu2481fs)

Gene: PKD1 (polycystin 1, transient receptor potential channel interacting; minus strand). Cytogenetic location: 16p13.3.
Variant type: Duplication.
Coding change: c.7432_7441dup on transcript NM_001009944.3 (MANE Select); coding-DNA positions 7432 to 7441, 10 bases duplicated (CTCTTCCCAC; older notation c.7432_7441dupCTCTTCCCAC).
Protein change: p.Leu2481fs; shifts the reading frame from leucine 2481.
Molecular consequence: frameshift variant.
Genome position (GRCh38, 1-based): chr16:2,106,446-2,106,455, GTGGGAAGAG duplicated on the plus strand (CTCTTCCCAC on the coding strand, the reverse complement: PKD1 is on the minus strand); duplicating any 10 consecutive bases within chr16:2,106,446-2,106,456 gives the same sequence; the c. name uses the placement nearest the transcript's 3' end. VCF-style (leftmost placement, unchanged base first): chr16-2106445-A-AGTGGGAAGAG. GRCh37 (hg19) VCF-style: chr16-2156446-A-AGTGGGAAGAG.
Other names: c.7432_7441dup, p.Leu2481fs (NM_000296.4); short protein forms L2481fs.
Identifiers: ClinVar variation 4845327 (VCV004845327.2).